The following is an entry in ClinVar:

NM_001144869.3(LIPT2):c.686G>A (p.Ser229Asn)

Gene: LIPT2 (lipoyl(octanoyl) transferase 2; minus strand). Cytogenetic location: 11q13.4.
Variant type: single nucleotide variant.
Coding change: c.686G>A on transcript NM_001144869.3 (MANE Select); coding-DNA position 686, G replaced by A.
Protein change: p.Ser229Asn; replaces serine 229 with asparagine.
Molecular consequence: missense variant. On other transcripts: 3 prime UTR variant (2).
Genome position (GRCh38, 1-based): chr11:74,492,145, C>T on the plus strand (G>A on the coding strand, the complement: LIPT2 is on the minus strand). VCF-style: chr11-74492145-C-T. GRCh37 (hg19) VCF-style: chr11-74203190-C-T.
Other names: c.*100G>A (NM_001329941.2, NM_001329942.2); short protein forms S229N.
Identifiers: ClinVar variation 2192227 (VCV002192227.4), dbSNP rs200349701, ClinGen allele CA224979139.

ClinVar aggregate classification (germline): Uncertain significance (1 of 4 stars; one submission).

Submission:

Labcorp Genetics (formerly Invitae), Labcorp
Classification: Uncertain significance. Last evaluated: 2022-03-14. Review status: criteria provided, single submitter. Criteria: Invitae Variant Classification Sherloc (09022015). Collection method: clinical testing. Allele origin: germline.
Comment: This sequence change replaces serine, which is neutral and polar, with asparagine, which is neutral and polar, at codon 229 of the LIPT2 protein (p.Ser229Asn). This variant is not present in population databases (gnomAD no frequency). This variant has not been reported in the literature in individuals affected with LIPT2-related conditions. Algorithms developed to predict the effect of missense changes on protein structure and function output the following: SIFT: "Not Available"; PolyPhen-2: "Benign"; Align-GVGD: "Not Available". The asparagine amino acid residue is found in multiple mammalian species, which suggests that this missense change does not adversely affect protein function. In summary, the available evidence is currently insufficient to determine the role of this variant in disease. Therefore, it has been classified as a Variant of Uncertain Significance.